The following is an entry in ClinVar:

ClinVar aggregate classification (germline): Uncertain significance (1 of 4 stars; one submission).

Conditions:
Nemaline myopathy 2 (NEM2). Also called: Nemaline myopathy 2, autosomal recessive. Identifiers: MedGen C1850569, MONDO:0009725, OMIM 256030.

Allele frequency attached by ClinVar (database versions not stated): gnomAD 0.00001; TOPMed 0.00001; gnomAD exomes 0.00003.
gnomAD v4.1: 38 of 1,613,158 alleles (0.0024%); highest among the groups gnomAD compares: Non-Finnish European, 0.0032%; no homozygotes.

Submission:

Labcorp Genetics (formerly Invitae), Labcorp
Classification: Uncertain significance for Nemaline myopathy 2. Last evaluated: 2023-11-12. Review status: criteria provided, single submitter. Criteria: Invitae Variant Classification Sherloc (09022015). Collection method: clinical testing. Allele origin: germline.
Comment: This sequence change replaces threonine, which is neutral and polar, with asparagine, which is neutral and polar, at codon 5893 of the NEB protein (p.Thr5893Asn). This variant is present in population databases (no rsID available, gnomAD 0.007%). This variant has not been reported in the literature in individuals affected with NEB-related conditions. ClinVar contains an entry for this variant (Variation ID: 1909231). Experimental studies and prediction algorithms are not available or were not evaluated, and the functional significance of this variant is currently unknown. In summary, the available evidence is currently insufficient to determine the role of this variant in disease. Therefore, it has been classified as a Variant of Uncertain Significance.

NM_001164508.2(NEB):c.17678C>A (p.Thr5893Asn)

Gene: NEB (nebulin; minus strand). Cytogenetic location: 2q23.3.
Variant type: single nucleotide variant.
Coding change: c.17678C>A on transcript NM_001164508.2 (MANE Select); coding-DNA position 17678, C replaced by A.
Protein change: p.Thr5893Asn; replaces threonine 5893 with asparagine.
Molecular consequence: missense variant.
Genome position (GRCh38, 1-based): chr2:151,568,374, G>T on the plus strand (C>A on the coding strand, the complement: NEB is on the minus strand). VCF-style: chr2-151568374-G-T. GRCh37 (hg19) VCF-style: chr2-152424888-G-T.
Other names: c.12575C>A, p.Thr4192Asn (NM_004543.5); c.17678C>A, p.Thr5893Asn (NM_001164507.2, NM_001271208.2); short protein forms T4192N, T5893N.
Identifiers: ClinVar variation 1909231 (VCV001909231.3), dbSNP rs1308591038, ClinGen allele CA348804965.